The following is an entry in ClinVar:

NM_004168.4(SDHA):c.683A>G (p.Asn228Ser)

Gene: SDHA (succinate dehydrogenase complex flavoprotein subunit A; plus strand). Cytogenetic location: 5p15.33.
Variant type: single nucleotide variant.
Coding change: c.683A>G on transcript NM_004168.4 (MANE Select); coding-DNA position 683, A replaced by G.
Protein change: p.Asn228Ser; replaces asparagine 228 with serine.
Molecular consequence: missense variant.
Genome position (GRCh38, 1-based): chr5:228,246, A>G. VCF-style: chr5-228246-A-G. GRCh37 (hg19) VCF-style: chr5-228361-A-G.
Other names: c.683A>G (NM_004168.2); c.539A>G, p.Asn180Ser (NM_001294332.2); c.683A>G, p.Asn228Ser (NM_001330758.2); short protein forms N228S, N180S.
Identifiers: ClinVar variation 1358870 (VCV001358870.11), dbSNP rs2126558564, ClinGen allele CA359010930.
Genomic context (GRCh38, chr5:228,246, plus strand): 5'-CTCTGCGATATGATACCAGCTATTTTGTGGAGTATTTTGCCTTGGATCTCCTGATGGAGA[A>G]TGGGGAGTGCCGTGGTGTCATCGCACTGTGCATAGAGGACGGGTCCATCCATCGCATAAG-3'
Protein context (NP_004159.2, residues 218-238): EYFALDLLME[Asn228Ser]GECRGVIALC

ClinVar aggregate classification (germline): Conflicting classifications of pathogenicity. Review status: criteria provided, conflicting classifications (1 of 4 stars). 3 submissions from 3 submitters: Uncertain significance (2); Likely benign (1). Last evaluated 2026-02-06.

Conditions:
Mitochondrial complex II deficiency, nuclear type 1. Also called: SUCCINATE CoQ REDUCTASE DEFICIENCY. Identifiers: Orphanet 3208, MedGen C5700310, MONDO:0100294, OMIM 252011.
Pheochromocytoma/paraganglioma syndrome 5. Also called: Paragangliomas 5; SDHA-Related Hereditary Paraganglioma-Pheochromocytoma Syndrome. Identifiers: Orphanet 29072, MedGen C3279992, MONDO:0013602, OMIM 614165.
Hereditary cancer-predisposing syndrome. Also called: Tumor predisposition; Hereditary Cancer Syndrome; Hereditary neoplastic syndrome; Neoplastic Syndromes, Hereditary. Identifiers: Orphanet 140162, MedGen C0027672, MeSH D009386, MONDO:0015356.

Submissions (3):

Ambry Genetics
Classification: Likely benign for Hereditary cancer-predisposing syndrome. Last evaluated: 2026-02-06. Review status: criteria provided, single submitter. Criteria: Ambry Variant Classification Scheme 2023. Collection method: clinical testing. Allele origin: germline.

Labcorp Genetics (formerly Invitae), Labcorp
Classification: Uncertain significance for Pheochromocytoma/paraganglioma syndrome 5; Mitochondrial complex II deficiency, nuclear type 1. Last evaluated: 2025-08-26. Review status: criteria provided, single submitter. Criteria: Invitae Variant Classification Sherloc (09022015). Collection method: clinical testing. Allele origin: germline.
Comment: This sequence change replaces asparagine, which is neutral and polar, with serine, which is neutral and polar, at codon 228 of the SDHA protein (p.Asn228Ser). This variant is not present in population databases (gnomAD no frequency). This variant has not been reported in the literature in individuals affected with SDHA-related conditions. ClinVar contains an entry for this variant (Variation ID: 1358870). Invitae Evidence Modeling of protein sequence and biophysical properties (such as structural, functional, and spatial information, amino acid conservation, physicochemical variation, residue mobility, and thermodynamic stability) indicates that this missense variant is not expected to disrupt SDHA protein function with a negative predictive value of 95%. In summary, the available evidence is currently insufficient to determine the role of this variant in disease. Therefore, it has been classified as a Variant of Uncertain Significance.

Sema4
Classification: Uncertain significance for Hereditary cancer-predisposing syndrome. Last evaluated: 2022-01-20. Review status: criteria provided, single submitter. Criteria: Sema4 Curation Guidelines. Collection method: curation. Allele origin: germline.
Comment: The SDHA c.683A>G (p.N228S) variant has not been reported in the literature to our knowledge. It was not observed in the large and broad cohorts of the Genome Aggregation Database (PMID: 32461654). It has not been reported in ClinVar. Functional studies have not been performed, and in silico predictions of the variant's effect on protein function are inconclusive. The evidence is insufficient to meet ACMG/AMP criteria for classifying the variant as benign or pathogenic. Thus, the clinical significance of this variant is currently uncertain.